The following is an entry in ClinVar:

NM_001023570.4(IQCB1):c.1471C>T (p.Gln491Ter)

Gene: IQCB1 (IQ motif containing B1; minus strand). Cytogenetic location: 3q13.33.
Variant type: single nucleotide variant.
Coding change: c.1471C>T on transcript NM_001023570.4 (MANE Select); coding-DNA position 1471, C replaced by T.
Protein change: p.Gln491Ter; replaces glutamine 491 with a stop codon.
Molecular consequence: nonsense. On other transcripts: non-coding transcript variant (1).
Genome position (GRCh38, 1-based): chr3:121,772,653, G>A on the plus strand (C>T on the coding strand, the complement: IQCB1 is on the minus strand). VCF-style: chr3-121772653-G-A. GRCh37 (hg19) VCF-style: chr3-121491500-G-A.
Other names: c.1072C>T, p.Gln358Ter (NM_001023571.4); c.1471C>T, p.Gln491Ter (NM_001319107.2); short protein forms Q491*, Q358*.
Identifiers: ClinVar variation 2050191 (VCV002050191.4), dbSNP rs2547582262, ClinGen allele CA354110327.

ClinVar aggregate classification (germline): Pathogenic (1 of 4 stars; one submission).

Conditions:
Nephronophthisis. Also called: Juvenile Nephronophthisis. Identifiers: Orphanet 655, MedGen C0687120, MONDO:0019005, HP:0000090.

Submission:

Labcorp Genetics (formerly Invitae), Labcorp
Classification: Pathogenic for Nephronophthisis. Last evaluated: 2022-07-12. Review status: criteria provided, single submitter. Criteria: Invitae Variant Classification Sherloc (09022015). Collection method: clinical testing. Allele origin: germline.
Comment: For these reasons, this variant has been classified as Pathogenic. Algorithms developed to predict the effect of sequence changes on RNA splicing suggest that this variant may create or strengthen a splice site. This variant has not been reported in the literature in individuals affected with IQCB1-related conditions. This variant is not present in population databases (gnomAD no frequency). This sequence change creates a premature translational stop signal (p.Gln491*) in the IQCB1 gene. It is expected to result in an absent or disrupted protein product. Loss-of-function variants in IQCB1 are known to be pathogenic (PMID: 15723066, 21901789, 23559409, 28041643).

Literature cited by the submitters: PubMed 15723066; PubMed 21901789; PubMed 23559409; PubMed 28041643.